The following is an entry in ClinVar:

NM_139242.4(MTFMT):c.720C>T (p.Tyr240=)

Gene: MTFMT (mitochondrial methionyl-tRNA formyltransferase; minus strand). Cytogenetic location: 15q22.31.
Variant type: single nucleotide variant.
Coding change: c.720C>T on transcript NM_139242.4 (MANE Select); coding-DNA position 720, C replaced by T.
Protein change: p.Tyr240=; no amino-acid change (tyrosine 240 retained).
Molecular consequence: synonymous variant.
Genome position (GRCh38, 1-based): chr15:65,020,198, G>A on the plus strand (C>T on the coding strand, the complement: MTFMT is on the minus strand). VCF-style: chr15-65020198-G-A. GRCh37 (hg19) VCF-style: chr15-65312536-G-A.
Identifiers: ClinVar variation 512547 (VCV000512547.5), dbSNP rs753929457, ClinGen allele CA7613271.

ClinVar aggregate classification (germline): Conflicting classifications of pathogenicity. Review status: criteria provided, conflicting classifications (1 of 4 stars). 2 submissions from 2 submitters: Uncertain significance (1); Likely benign (1). Last evaluated 2023-06-19.

Allele frequency attached by ClinVar (database versions not stated): ExAC below 0.00001; gnomAD exomes below 0.00001; gnomAD 0.00001; TOPMed 0.00001.
gnomAD v4.1: 6 of 1,611,600 alleles (0.00037%); highest among the groups gnomAD compares: African/African-American, 0.0027%; no homozygotes.

Submissions (2):

Labcorp Genetics (formerly Invitae), Labcorp
Classification: Uncertain significance. Last evaluated: 2023-06-19. Review status: criteria provided, single submitter. Criteria: Invitae Variant Classification Sherloc (09022015). Collection method: clinical testing. Allele origin: germline.
Comment: This sequence change affects codon 240 of the MTFMT mRNA. It is a 'silent' change, meaning that it does not change the encoded amino acid sequence of the MTFMT protein. It affects a nucleotide within the consensus splice site. This variant is not present in population databases (gnomAD no frequency). This variant has not been reported in the literature in individuals affected with MTFMT-related conditions. ClinVar contains an entry for this variant (Variation ID: 512547). Algorithms developed to predict the effect of sequence changes on RNA splicing suggest that this variant is not likely to affect RNA splicing. In summary, the available evidence is currently insufficient to determine the role of this variant in disease. Therefore, it has been classified as a Variant of Uncertain Significance.

GeneDx
Classification: Likely benign. Last evaluated: 2017-10-19. Review status: criteria provided, single submitter. Criteria: GeneDx Variant Classification (06012015). Collection method: clinical testing. Allele origin: germline. Affected: yes.
Comment: This variant is considered likely benign or benign based on one or more of the following criteria: it is a conservative change, it occurs at a poorly conserved position in the protein, it is predicted to be benign by multiple in silico algorithms, and/or has population frequency not consistent with disease.